The following is an entry in ClinVar:

ClinVar aggregate classification (germline): Uncertain significance (1 of 4 stars; one submission).

Allele frequency attached by ClinVar (database versions not stated): gnomAD exomes below 0.00001.
gnomAD v4.1: 1 of 1,614,176 alleles (0.000062%); no homozygotes.

Submission:

Labcorp Genetics (formerly Invitae), Labcorp
Classification: Uncertain significance. Last evaluated: 2025-03-10. Review status: criteria provided, single submitter. Criteria: Invitae Variant Classification Sherloc (09022015). Collection method: clinical testing. Allele origin: germline.
Comment: This sequence change replaces tyrosine, which is neutral and polar, with asparagine, which is neutral and polar, at codon 54 of the EYS protein (p.Tyr54Asn). This variant is present in population databases (no rsID available, gnomAD 0.01%). This variant has not been reported in the literature in individuals affected with EYS-related conditions. ClinVar contains an entry for this variant (Variation ID: 1961917). Invitae Evidence Modeling of protein sequence and biophysical properties (such as structural, functional, and spatial information, amino acid conservation, physicochemical variation, residue mobility, and thermodynamic stability) indicates that this missense variant is not expected to disrupt EYS protein function with a negative predictive value of 80%. In summary, the available evidence is currently insufficient to determine the role of this variant in disease. Therefore, it has been classified as a Variant of Uncertain Significance.

NM_001142800.2(EYS):c.160T>A (p.Tyr54Asn)

Gene: EYS (EGF-like photoreceptor maintenance factor; minus strand). Cytogenetic location: 6q12.
Variant type: single nucleotide variant.
Coding change: c.160T>A on transcript NM_001142800.2 (MANE Select); coding-DNA position 160, T replaced by A.
Protein change: p.Tyr54Asn; replaces tyrosine 54 with asparagine.
Molecular consequence: missense variant.
Genome position (GRCh38, 1-based): chr6:65,495,251, A>T on the plus strand (T>A on the coding strand, the complement: EYS is on the minus strand). VCF-style: chr6-65495251-A-T. GRCh37 (hg19) VCF-style: chr6-66205144-A-T.
Other names: c.160T>A, p.Tyr54Asn (NM_001142801.2, NM_001292009.2, NM_198283.2); short protein forms Y54N.
Identifiers: ClinVar variation 1961917 (VCV001961917.5), dbSNP rs1394979892, ClinGen allele CA364790520.